The following is an entry in ClinVar:

NM_004006.3(DMD):c.1517G>A (p.Arg506Lys)

Gene: DMD (dystrophin; minus strand). Cytogenetic location: Xp21.1.
Variant type: single nucleotide variant.
Coding change: c.1517G>A on transcript NM_004006.3 (MANE Select); coding-DNA position 1517, G replaced by A.
Protein change: p.Arg506Lys; replaces arginine 506 with lysine.
Molecular consequence: missense variant.
Genome position (GRCh38, 1-based): chrX:32,595,842, C>T on the plus strand (G>A on the coding strand, the complement: DMD is on the minus strand). VCF-style: chrX-32595842-C-T. GRCh37 (hg19) VCF-style: chrX-32613959-C-T.
Other names: c.1493G>A, p.Arg498Lys (NM_000109.4); c.1505G>A, p.Arg502Lys (NM_004009.3); c.1148G>A, p.Arg383Lys (NM_004010.3); short protein forms R383K, R502K, R498K, R506K.
Identifiers: ClinVar variation 2192654 (VCV002192654.2), dbSNP rs2518923777, ClinGen allele CA412665643.

ClinVar aggregate classification (germline): Uncertain significance (1 of 4 stars; one submission).

Conditions:
Duchenne muscular dystrophy (DMD). Also called: MUSCULAR DYSTROPHY, PSEUDOHYPERTROPHIC PROGRESSIVE, DUCHENNE TYPE; Duchenne Muscular Dystrophy (DMD). Identifiers: Orphanet 98896, MedGen C0013264, MONDO:0010679, OMIM 310200.

Submissions (2):

Labcorp Genetics (formerly Invitae), Labcorp
Classification: Uncertain significance for Duchenne muscular dystrophy. Last evaluated: 2022-07-15. Review status: criteria provided, single submitter. Criteria: Invitae Variant Classification Sherloc (09022015). Collection method: clinical testing. Allele origin: germline.
Comment: This sequence change replaces arginine, which is basic and polar, with lysine, which is basic and polar, at codon 506 of the DMD protein (p.Arg506Lys). This variant is not present in population databases (gnomAD no frequency). This variant has not been reported in the literature in individuals affected with DMD-related conditions. Algorithms developed to predict the effect of missense changes on protein structure and function output the following: SIFT: "Tolerated"; PolyPhen-2: "Benign"; Align-GVGD: "Class C0". The lysine amino acid residue is found in multiple mammalian species, which suggests that this missense change does not adversely affect protein function. In summary, the available evidence is currently insufficient to determine the role of this variant in disease. Therefore, it has been classified as a Variant of Uncertain Significance.

Dr. Peter K. Rogan Lab, Western University
No classification provided (evidence only). Condition: Nonpapillary renal cell carcinoma. Review status: no classification provided. Collection method: in vitro. Allele origin: not applicable. Functional consequence: retained intron. Not counted in ClinVar's aggregate classification.